The following is an entry in ClinVar:

NM_015629.4(PRPF31):c.829_845del (p.Ser277fs)

Gene: PRPF31 (pre-mRNA processing factor 31; plus strand). Cytogenetic location: 19q13.42.
Variant type: Deletion.
Coding change: c.829_845del on transcript NM_015629.4 (MANE Select); coding-DNA positions 829 to 845, 17 bases deleted (AGTGACATCGTGCAGTC).
Protein change: p.Ser277fs; shifts the reading frame from serine 277.
Molecular consequence: frameshift variant.
Genome position (GRCh38, 1-based): chr19:54,124,630-54,124,646, AGTGACATCGTGCAGTC deleted; deleting any 17 consecutive bases within chr19:54,124,629-54,124,646 gives the same sequence; the c. name uses the placement nearest the transcript's 3' end. VCF-style (leftmost placement, unchanged base first): chr19-54124628-ACAGTGACATCGTGCAGT-A. GRCh37 (hg19) VCF-style: chr19-54628007-ACAGTGACATCGTGCAGT-A.
Other names: short protein forms S277fs.
Identifiers: ClinVar variation 3641422 (VCV003641422.2).
Genomic context (GRCh38, chr19:54,124,628, plus strand): 5'-GCAAGACGCTGTCGGGCTTCTCGTCTACCTCAGTGCTGCCCCACACCGGCTACATCTACC[ACAGTGACATCGTGCAGT>A]CCCTGCCACCGGTGAGCCCACTGCGTCATGGCCCCTCCCCCGGCCCCCCTGGAGCCTTCC-3'

ClinVar aggregate classification (germline): Pathogenic (1 of 4 stars; one submission).

Submission:

Labcorp Genetics (formerly Invitae), Labcorp
Classification: Pathogenic. Last evaluated: 2024-02-16. Review status: criteria provided, single submitter. Criteria: Invitae Variant Classification Sherloc (09022015). Collection method: clinical testing. Allele origin: germline.
Comment: This sequence change creates a premature translational stop signal (p.Ser277Profs*41) in the PRPF31 gene. It is expected to result in an absent or disrupted protein product. Loss-of-function variants in PRPF31 are known to be pathogenic (PMID: 18317597, 23950152). This variant is not present in population databases (gnomAD no frequency). This variant has not been reported in the literature in individuals affected with PRPF31-related conditions. For these reasons, this variant has been classified as Pathogenic.

Literature cited by the submitters: PubMed 18317597; PubMed 23950152.